The following is an entry in ClinVar:

ClinVar aggregate classification (germline): Uncertain significance. Review status: criteria provided, multiple submitters, no conflicts (2 of 4 stars). 8 submissions from 8 submitters: Uncertain significance (6). 2 of the submissions do not count toward it. Last evaluated 2025-02-01.

Conditions:
VPS13B-related disorder. Also called: VPS13B-related condition.
Cohen syndrome (COH1). Also called: Cutis verticis gyrata, retinitis pigmentosa, and sensorineural deafness; PEPPER SYNDROME. Identifiers: Orphanet 193, MedGen C0265223, MONDO:0008999, OMIM 216550.

Allele frequency attached by ClinVar (database versions not stated): gnomAD 0.00007; TOPMed 0.00007; gnomAD exomes 0.00008 and 0.00015; ExAC 0.00009; ESP Exome Variant Server 0.00031.
gnomAD v4.1: 225 of 1,614,040 alleles (0.014%); highest among the groups gnomAD compares: Non-Finnish European, 0.018%; no homozygotes.

Submissions (8):

CeGaT Center for Human Genetics Tuebingen
Classification: Uncertain significance. Last evaluated: 2025-02-01. Review status: criteria provided, single submitter. Criteria: CeGaT Center For Human Genetics Tuebingen Variant Classification Criteria Version 2. Collection method: clinical testing. Allele origin: germline. Affected: yes. Observed: 1 variant allele.
Comment: VPS13B: PM2, BP4

Blueprint Genetics
Classification: Uncertain significance. Last evaluated: 2024-10-22. Review status: criteria provided, single submitter. Criteria: ACMG Guidelines, 2015. Collection method: clinical testing. Allele origin: germline.

Labcorp Genetics (formerly Invitae), Labcorp
Classification: Uncertain significance for Cohen syndrome. Last evaluated: 2024-01-17. Review status: criteria provided, single submitter. Criteria: Invitae Variant Classification Sherloc (09022015). Collection method: clinical testing. Allele origin: germline.
Comment: This sequence change replaces arginine, which is basic and polar, with glutamine, which is neutral and polar, at codon 3945 of the VPS13B protein (p.Arg3945Gln). This variant is present in population databases (rs147907236, gnomAD 0.02%). This variant has not been reported in the literature in individuals affected with VPS13B-related conditions. ClinVar contains an entry for this variant (Variation ID: 290042). Advanced modeling of protein sequence and biophysical properties (such as structural, functional, and spatial information, amino acid conservation, physicochemical variation, residue mobility, and thermodynamic stability) performed at Invitae indicates that this missense variant is expected to disrupt VPS13B protein function with a positive predictive value of 80%. In summary, the available evidence is currently insufficient to determine the role of this variant in disease. Therefore, it has been classified as a Variant of Uncertain Significance.

Illumina Laboratory Services, Illumina
Classification: Uncertain significance for Cohen syndrome. Last evaluated: 2018-01-12. Review status: criteria provided, single submitter. Criteria: ICSL Variant Classification Criteria 13 December 2019. Collection method: clinical testing. Allele origin: germline.

Genetic Services Laboratory, University of Chicago
Classification: Uncertain significance. Last evaluated: 2017-11-28. Review status: criteria provided, single submitter. Criteria: ACMG Guidelines, 2015. Collection method: clinical testing. Allele origin: germline. Affected: no.

Eurofins Ntd Llc (ga)
Classification: Uncertain significance. Last evaluated: 2016-08-16. Review status: criteria provided, single submitter. Criteria: EGL Classification Definitions 2015. Collection method: clinical testing. Allele origin: germline. Observed: 1 variant allele, 1 heterozygote.

PreventionGenetics, part of Exact Sciences
Classification: Uncertain significance for VPS13B-related condition. Last evaluated: 2024-06-28. Review status: no assertion criteria provided. Collection method: clinical testing. Allele origin: germline. Not counted in ClinVar's aggregate classification.
Comment: The VPS13B c.11759G>A variant is predicted to result in the amino acid substitution p.Arg3920Gln. To our knowledge, this variant has not been reported in the literature. This variant is reported in 0.014% of alleles in individuals of European (Non-Finnish) descent in gnomAD. At this time, the clinical significance of this variant is uncertain due to the absence of conclusive functional and genetic evidence.

Natera, Inc.
Classification: Uncertain significance for Cohen syndrome. Last evaluated: 2020-09-16. Review status: no assertion criteria provided. Collection method: clinical testing. Allele origin: germline. Not counted in ClinVar's aggregate classification.

NM_152564.5(VPS13B):c.11759G>A (p.Arg3920Gln)

Gene: VPS13B (vacuolar protein sorting 13 homolog B; plus strand). Cytogenetic location: 8q22.2.
Variant type: single nucleotide variant.
Coding change: c.11759G>A on transcript NM_152564.5 (MANE Select); coding-DNA position 11759, G replaced by A.
Protein change: p.Arg3920Gln; replaces arginine 3920 with glutamine.
Molecular consequence: missense variant.
Genome position (GRCh38, 1-based): chr8:99,875,431, G>A. VCF-style: chr8-99875431-G-A. GRCh37 (hg19) VCF-style: chr8-100887659-G-A.
Other names: c.11834G>A, p.Arg3945Gln (NM_017890.5); c.11759G>A (NM_152564.4); short protein forms R3920Q, R3945Q.
Identifiers: ClinVar variation 290042 (VCV000290042.32), dbSNP rs147907236, ClinGen allele CA4825341.